The following is an entry in ClinVar:

ClinVar aggregate classification (germline): Uncertain significance (1 of 4 stars; one submission).

Conditions:
Holocarboxylase synthetase deficiency. Also called: MULTIPLE CARBOXYLASE DEFICIENCY, EARLY ONSET. Identifiers: Orphanet 79242, MedGen C0268581, MONDO:0009666, OMIM 253270.

gnomAD v4.1: 1 of 1,614,156 alleles (0.000062%); highest among the groups gnomAD compares: Admixed American, 0.0017%; no homozygotes.

Submission:

Labcorp Genetics (formerly Invitae), Labcorp
Classification: Uncertain significance for Holocarboxylase synthetase deficiency. Last evaluated: 2024-07-30. Review status: criteria provided, single submitter. Criteria: Invitae Variant Classification Sherloc (09022015). Collection method: clinical testing. Allele origin: germline.
Comment: This sequence change replaces leucine, which is neutral and non-polar, with phenylalanine, which is neutral and non-polar, at codon 616 of the HLCS protein (p.Leu616Phe). This variant is present in population databases (rs745756038, gnomAD 0.003%). This missense change has been observed in individual(s) with holocarboxylase synthetase deficiency (Invitae). In at least one individual the data is consistent with being in trans (on the opposite chromosome) from a pathogenic variant. Advanced modeling of protein sequence and biophysical properties (such as structural, functional, and spatial information, amino acid conservation, physicochemical variation, residue mobility, and thermodynamic stability) performed at Invitae indicates that this missense variant is expected to disrupt HLCS protein function with a positive predictive value of 80%. In summary, the available evidence is currently insufficient to determine the role of this variant in disease. Therefore, it has been classified as a Variant of Uncertain Significance.

NM_001352514.2(HLCS):c.2287C>T (p.Leu763Phe)

Gene: HLCS (holocarboxylase synthetase; minus strand). Cytogenetic location: 21q22.13.
Variant type: single nucleotide variant.
Coding change: c.2287C>T on transcript NM_001352514.2 (MANE Select); coding-DNA position 2287, C replaced by T.
Protein change: p.Leu763Phe; replaces leucine 763 with phenylalanine.
Molecular consequence: missense variant. On other transcripts: non-coding transcript variant (2).
Genome position (GRCh38, 1-based): chr21:36,756,705, G>A on the plus strand (C>T on the coding strand, the complement: HLCS is on the minus strand). VCF-style: chr21-36756705-G-A. GRCh37 (hg19) VCF-style: chr21-38129006-G-A.
Other names: c.1846C>T, p.Leu616Phe (NM_000411.8, NM_001242784.3, NM_001242785.2 and 4 more transcripts); short protein forms L616F, L763F.
Identifiers: ClinVar variation 3624305 (VCV003624305.2).